The following is an entry in ClinVar:

NM_006236.3(POU3F3):c.1459G>T (p.Asp487Tyr)

Gene: POU3F3 (POU class 3 homeobox 3; plus strand). Cytogenetic location: 2q12.1.
Variant type: single nucleotide variant.
Coding change: c.1459G>T on transcript NM_006236.3 (MANE Select); coding-DNA position 1459, G replaced by T.
Protein change: p.Asp487Tyr; replaces aspartic acid 487 with tyrosine.
Molecular consequence: missense variant.
Genome position (GRCh38, 1-based): chr2:104,856,969, G>T. VCF-style: chr2-104856969-G-T. GRCh37 (hg19) VCF-style: chr2-105473427-G-T.
Other names: short protein forms D487Y.
Identifiers: ClinVar variation 3360644 (VCV003360644.1).

ClinVar aggregate classification (germline): Uncertain significance (1 of 4 stars; one submission).

Submission:

GeneDx
Classification: Uncertain significance. Last evaluated: 2023-07-07. Review status: criteria provided, single submitter. Criteria: GeneDx Variant Classification Process June 2021. Collection method: clinical testing. Allele origin: germline. Affected: yes.
Comment: Not observed at significant frequency in large population cohorts (gnomAD); In silico analysis supports that this missense variant has a deleterious effect on protein structure/function; Has not been previously published as pathogenic or benign to our knowledge